The following is an entry in ClinVar:

ClinVar aggregate classification (germline): Benign. Review status: criteria provided, single submitter (1 of 4 stars). 2 submissions from 2 submitters: Benign (1). 1 of the submissions does not count toward it. Last evaluated 2019-12-31.

Conditions:
REV3L-related disorder. Also called: REV3L-related condition.

Allele frequency attached by ClinVar (database versions not stated): gnomAD exomes 0.00147; ExAC 0.00165; gnomAD 0.00449; 1000 Genomes Project 30x 0.00484; 1000 Genomes Project 0.00499; ESP Exome Variant Server 0.00515; TOPMed 0.00540.
gnomAD v4.1: 1,575 of 1,614,058 alleles (0.098%); highest among the groups gnomAD compares: African/African-American, 1.8%; 10 homozygotes.

Submissions (2):

Labcorp Genetics (formerly Invitae), Labcorp
Classification: Benign. Last evaluated: 2019-12-31. Review status: criteria provided, single submitter. Criteria: Invitae Variant Classification Sherloc (09022015). Collection method: clinical testing. Allele origin: germline.

PreventionGenetics, part of Exact Sciences
Classification: Benign for REV3L-related condition. Last evaluated: 2019-06-19. Review status: no assertion criteria provided. Collection method: clinical testing. Allele origin: germline. Not counted in ClinVar's aggregate classification.
Comment: This variant is classified as benign based on ACMG/AMP sequence variant interpretation guidelines (Richards et al. 2015 PMID: 25741868, with internal and published modifications).

NM_001372078.1(REV3L):c.9045C>A (p.Ile3015=)

Gene: REV3L (REV3 like, DNA directed polymerase zeta catalytic subunit; minus strand). Cytogenetic location: 6q21.
Variant type: single nucleotide variant.
Coding change: c.9045C>A on transcript NM_001372078.1 (MANE Select); coding-DNA position 9045, C replaced by A.
Protein change: p.Ile3015=; no amino-acid change (isoleucine 3015 retained).
Molecular consequence: synonymous variant.
Genome position (GRCh38, 1-based): chr6:111,307,568, G>T on the plus strand (C>A on the coding strand, the complement: REV3L is on the minus strand). VCF-style: chr6-111307568-G-T. GRCh37 (hg19) VCF-style: chr6-111628771-G-T.
Other names: c.8811C>A, p.Ile2937= (NM_001286431.2, NM_001286432.2); c.9045C>A, p.Ile3015= (NM_002912.5).
Identifiers: ClinVar variation 729153 (VCV000729153.6), dbSNP rs17511525, ClinGen allele CA3961104.